The following is an entry in ClinVar:

NM_001844.5(COL2A1):c.3244A>G (p.Thr1082Ala)

Gene: COL2A1 (collagen type II alpha 1 chain; minus strand). Cytogenetic location: 12q13.11.
Variant type: single nucleotide variant.
Coding change: c.3244A>G on transcript NM_001844.5 (MANE Select); coding-DNA position 3244, A replaced by G.
Protein change: p.Thr1082Ala; replaces threonine 1082 with alanine.
Molecular consequence: missense variant.
Genome position (GRCh38, 1-based): chr12:47,977,349, T>C on the plus strand (A>G on the coding strand, the complement: COL2A1 is on the minus strand). VCF-style: chr12-47977349-T-C. GRCh37 (hg19) VCF-style: chr12-48371132-T-C.
Other names: c.3037A>G, p.Thr1013Ala (NM_033150.3); short protein forms T1082A, T1013A.
Identifiers: ClinVar variation 308913 (VCV000308913.10), dbSNP rs886049446, ClinGen allele CA10637555.
Genomic context (GRCh38, chr12:47,977,349, plus strand): 5'-AGGCGGCTTTTACTGAATTCAGGATACTTACAGCTTCTCCTCTGTCTCCTTGCTTGCCAG[T>C]TGGACCAGCGGGGCCAGGGGAGCCAGGGGGCCCAGGGGCTCCAGGAGCTCCCACAGCACC-3'
Protein context (NP_001835.3, residues 1072-1092): PPGSPGPAGP[Thr1082Ala]GKQGDRGEAG

ClinVar aggregate classification (germline): Uncertain significance. Review status: criteria provided, multiple submitters, no conflicts (2 of 4 stars). 4 submissions from 3 submitters: Uncertain significance (4). Last evaluated 2023-10-31.

Conditions:
Stickler syndrome type 1 (STL1). Also called: ARTHROOPHTHALMOPATHY, HEREDITARY PROGRESSIVE; STICKLER SYNDROME, MEMBRANOUS VITREOUS TYPE; STICKLER SYNDROME, VITREOUS TYPE 1; COL2A1-Related Stickler Syndrome. Identifiers: Orphanet 828, Orphanet 90653, MedGen C2020284, MONDO:0007160, OMIM 108300.
Type 2 collagenopathy. Identifiers: Orphanet 93421, MedGen C2931073, MONDO:0022800.

Allele frequency attached by ClinVar (database versions not stated): gnomAD exomes below 0.00001; TOPMed below 0.00001; gnomAD 0.00001.
gnomAD v4.1: 2 of 1,613,678 alleles (0.00012%); highest among the groups gnomAD compares: Admixed American, 0.0017%; no homozygotes.

Submissions (4):

GeneDx
Classification: Uncertain significance. Last evaluated: 2023-10-31. Review status: criteria provided, single submitter. Criteria: GeneDx Variant Classification Process June 2021. Collection method: clinical testing. Allele origin: germline. Affected: yes.
Comment: Not observed at significant frequency in large population cohorts (gnomAD); In silico analysis supports that this missense variant does not alter protein structure/function; Has not been previously published as pathogenic or benign to our knowledge

Labcorp Genetics (formerly Invitae), Labcorp
Classification: Uncertain significance. Last evaluated: 2023-09-17. Review status: criteria provided, single submitter. Criteria: Invitae Variant Classification Sherloc (09022015). Collection method: clinical testing. Allele origin: germline.
Comment: In summary, the available evidence is currently insufficient to determine the role of this variant in disease. Therefore, it has been classified as a Variant of Uncertain Significance. Advanced modeling of protein sequence and biophysical properties (such as structural, functional, and spatial information, amino acid conservation, physicochemical variation, residue mobility, and thermodynamic stability) performed at Invitae indicates that this missense variant is not expected to disrupt COL2A1 protein function. ClinVar contains an entry for this variant (Variation ID: 308913). This variant has not been reported in the literature in individuals affected with COL2A1-related conditions. This variant is not present in population databases (gnomAD no frequency). This sequence change replaces threonine, which is neutral and polar, with alanine, which is neutral and non-polar, at codon 1082 of the COL2A1 protein (p.Thr1082Ala).

Illumina Laboratory Services, Illumina
Classification: Uncertain significance for Stickler syndrome type 1. Last evaluated: 2018-01-13. Review status: criteria provided, single submitter. Criteria: ICSL Variant Classification Criteria 13 December 2019. Collection method: clinical testing. Allele origin: germline.

Illumina Laboratory Services, Illumina
Classification: Uncertain significance for Type II Collagenopathies. Last evaluated: 2018-01-13. Review status: criteria provided, single submitter. Criteria: ICSL Variant Classification Criteria 13 December 2019. Collection method: clinical testing. Allele origin: germline.